The following is an entry in ClinVar:

NM_016343.4(CENPF):c.4355A>G (p.Asn1452Ser)

Gene: CENPF (centromere protein F; plus strand). Cytogenetic location: 1q41.
Variant type: single nucleotide variant.
Coding change: c.4355A>G on transcript NM_016343.4 (MANE Select); coding-DNA position 4355, A replaced by G.
Protein change: p.Asn1452Ser; replaces asparagine 1452 with serine.
Molecular consequence: missense variant.
Genome position (GRCh38, 1-based): chr1:214,642,693, A>G. VCF-style: chr1-214642693-A-G. GRCh37 (hg19) VCF-style: chr1-214816036-A-G.
Other names: short protein forms N1452S.
Identifiers: ClinVar variation 434707 (VCV000434707.9), dbSNP rs140952090, ClinGen allele CA1390577.

ClinVar aggregate classification (germline): Conflicting classifications of pathogenicity. Review status: criteria provided, conflicting classifications (1 of 4 stars). 4 submissions from 4 submitters: Uncertain significance (3); Likely benign (1). Last evaluated 2026-08-14.

Conditions:
Stromme syndrome (STROMS). Also called: Ciliary dyskinesia, primary, 31; Strømme Syndrome; APPLE PEEL SYNDROME WITH MICROCEPHALY AND OCULAR ANOMALIES. Identifiers: Orphanet 444069, Orphanet 506307, MedGen C1855705, MONDO:0009477, OMIM 243605.
CENPF-related disorder. Also called: CENPF-related condition.

Allele frequency attached by ClinVar (database versions not stated): gnomAD 0.00041 and 0.00037; gnomAD exomes 0.00031 and 0.00054; TOPMed 0.00035; ESP Exome Variant Server 0.00054; ExAC 0.00040.
gnomAD v4.1: 846 of 1,614,040 alleles (0.052%); highest among the groups gnomAD compares: Non-Finnish European, 0.067%; no homozygotes.

Submissions (4):

PreventionGenetics, part of Exact Sciences
Classification: Uncertain significance for CENPF-related condition. Last evaluated: 2026-08-14. Review status: criteria provided, single submitter. Criteria: ACMG Guidelines, 2015. Collection method: clinical testing. Allele origin: germline.
Comment: The CENPF c.4355A>G variant is predicted to result in the amino acid substitution p.Asn1452Ser. To our knowledge, this variant has not been reported in the literature. This variant is reported in 0.064% of alleles in individuals of European (Non-Finnish) descent in gnomAD. Although we suspect that this variant may be benign, at this time, the clinical significance of this variant is uncertain due to the absence of conclusive functional and genetic evidence.

Blueprint Genetics
Classification: Likely benign. Last evaluated: 2024-11-22. Review status: criteria provided, single submitter. Criteria: ACMG Guidelines, 2015. Collection method: clinical testing. Allele origin: germline.

Fulgent Genetics
Classification: Uncertain significance for Stromme syndrome. Last evaluated: 2024-05-16. Review status: criteria provided, single submitter. Criteria: ACMG Guidelines, 2015. Collection method: clinical testing. Allele origin: germline.

Genetic Services Laboratory, University of Chicago
Classification: Uncertain significance. Last evaluated: 2017-02-10. Review status: criteria provided, single submitter. Criteria: ACMG Guidelines, 2015. Collection method: clinical testing. Allele origin: germline. Affected: no.